The following is an entry in ClinVar:

NM_004655.4(AXIN2):c.2009C>G (p.Pro670Arg)

Gene: AXIN2 (axin 2; minus strand). Cytogenetic location: 17q24.1.
Variant type: single nucleotide variant.
Coding change: c.2009C>G on transcript NM_004655.4 (MANE Select); coding-DNA position 2009, C replaced by G.
Protein change: p.Pro670Arg; replaces proline 670 with arginine.
Molecular consequence: missense variant.
Genome position (GRCh38, 1-based): chr17:65,536,452, G>C on the plus strand (C>G on the coding strand, the complement: AXIN2 is on the minus strand). VCF-style: chr17-65536452-G-C. GRCh37 (hg19) VCF-style: chr17-63532570-G-C.
Other names: c.1814C>G, p.Pro605Arg (NM_001363813.1); short protein forms P670R, P605R.
Identifiers: ClinVar variation 2990313 (VCV002990313.4), dbSNP rs748754551, ClinGen allele CA293097799.

ClinVar aggregate classification (germline): Uncertain significance. Review status: criteria provided, multiple submitters, no conflicts (2 of 4 stars). 2 submissions from 2 submitters: Uncertain significance (2). Last evaluated 2024-04-06.

Conditions:
Hereditary cancer-predisposing syndrome. Also called: Tumor predisposition; Hereditary neoplastic syndrome; Hereditary Cancer Syndrome; Neoplastic Syndromes, Hereditary. Identifiers: Orphanet 140162, MedGen C0027672, MeSH D009386, MONDO:0015356.
Oligodontia-cancer predisposition syndrome. Also called: TOOTH AGENESIS-COLORECTAL CANCER SYNDROME. Identifiers: Orphanet 300576, MedGen C1837750, MONDO:0012075, OMIM 608615. Disease mechanism: loss of function.

Submissions (2):

Ambry Genetics
Classification: Uncertain significance for Hereditary cancer-predisposing syndrome. Last evaluated: 2024-04-06. Review status: criteria provided, single submitter. Criteria: Ambry Variant Classification Scheme 2023. Collection method: clinical testing. Allele origin: germline.
Comment: The p.P670R variant (also known as c.2009C>G), located in coding exon 7 of the AXIN2 gene, results from a C to G substitution at nucleotide position 2009. The proline at codon 670 is replaced by arginine, an amino acid with dissimilar properties. This amino acid position is conserved. In addition, this alteration is predicted to be tolerated by in silico analysis. Based on the available evidence, the clinical significance of this variant remains unclear.

Labcorp Genetics (formerly Invitae), Labcorp
Classification: Uncertain significance for Oligodontia-cancer predisposition syndrome. Last evaluated: 2023-07-10. Review status: criteria provided, single submitter. Criteria: Invitae Variant Classification Sherloc (09022015). Collection method: clinical testing. Allele origin: germline.
Comment: In summary, the available evidence is currently insufficient to determine the role of this variant in disease. Therefore, it has been classified as a Variant of Uncertain Significance. Advanced modeling of protein sequence and biophysical properties (such as structural, functional, and spatial information, amino acid conservation, physicochemical variation, residue mobility, and thermodynamic stability) performed at Invitae indicates that this missense variant is not expected to disrupt AXIN2 protein function. This variant has not been reported in the literature in individuals affected with AXIN2-related conditions. This variant is not present in population databases (gnomAD no frequency). This sequence change replaces proline, which is neutral and non-polar, with arginine, which is basic and polar, at codon 670 of the AXIN2 protein (p.Pro670Arg).